The following is an entry in ClinVar:

NM_007289.4(MME):c.957+1G>A

Gene: MME (membrane metalloendopeptidase; plus strand). Cytogenetic location: 3q25.2.
Variant type: single nucleotide variant.
Coding change: c.957+1G>A on transcript NM_007289.4 (MANE Select); the canonical splice donor site of the intron after coding-DNA position 957, G replaced by A.
Molecular consequence: splice donor variant.
Genome position (GRCh38, 1-based): chr3:155,140,293, G>A. VCF-style: chr3-155140293-G-A. GRCh37 (hg19) VCF-style: chr3-154858082-G-A.
Other names: c.957+1G>A (NM_001354642.2, NM_000902.5, NM_007287.4 and 2 more transcripts).
Identifiers: ClinVar variation 2748519 (VCV002748519.3), dbSNP rs2473065142, ClinGen allele CA355129699.
Genomic context (GRCh38, chr3:155,140,293, plus strand): 5'-TATAACAAGATGACATTGGCCCAGATCCAAAATAACTTTTCACTAGAGATCAATGGGAAG[G>A]TAAGTGGTAAGTTTTTTGTGCTCTCTTATTGTGCCGTTTTCTAAATTATAACATTGAAAT-3'

ClinVar aggregate classification (germline): Likely pathogenic (1 of 4 stars; one submission).

Submission:

Labcorp Genetics (formerly Invitae), Labcorp
Classification: Likely pathogenic. Last evaluated: 2023-08-09. Review status: criteria provided, single submitter. Criteria: Invitae Variant Classification Sherloc (09022015). Collection method: clinical testing. Allele origin: germline.
Comment: This sequence change affects a donor splice site in intron 10 of the MME gene. It is expected to disrupt RNA splicing. Variants that disrupt the donor or acceptor splice site typically lead to a loss of protein function (PMID: 16199547), and loss-of-function variants in MME are known to be pathogenic (PMID: 26991897). This variant is not present in population databases (gnomAD no frequency). This variant has not been reported in the literature in individuals affected with MME-related conditions. Algorithms developed to predict the effect of sequence changes on RNA splicing suggest that this variant may disrupt the consensus splice site. In summary, the currently available evidence indicates that the variant is pathogenic, but additional data are needed to prove that conclusively. Therefore, this variant has been classified as Likely Pathogenic.

Literature cited by the submitters: PubMed 16199547; PubMed 26991897.